The following is an entry in ClinVar:

NM_144973.4(DENND5B):c.2399C>T (p.Ser800Leu)

Gene: DENND5B (DENN domain containing 5B; minus strand). Cytogenetic location: 12p11.21.
Variant type: single nucleotide variant.
Coding change: c.2399C>T on transcript NM_144973.4 (MANE Select); coding-DNA position 2399, C replaced by T.
Protein change: p.Ser800Leu; replaces serine 800 with leucine.
Molecular consequence: missense variant.
Genome position (GRCh38, 1-based): chr12:31,423,668, G>A on the plus strand (C>T on the coding strand, the complement: DENND5B is on the minus strand). VCF-style: chr12-31423668-G-A. GRCh37 (hg19) VCF-style: chr12-31576602-G-A.
Other names: c.2504C>T, p.Ser835Leu (NM_001308339.2); short protein forms S800L, S835L.
Identifiers: ClinVar variation 2664956 (VCV002664956.1), dbSNP rs1943121759, ClinGen allele CA384251828.

ClinVar aggregate classification (germline): Uncertain significance (1 of 4 stars; one submission).

Conditions:
DENND5B-related neurodevelopmental disorder.

Allele frequency attached by ClinVar (database versions not stated): TOPMed below 0.00001; gnomAD 0.00001.
gnomAD v4.1: 1 of 1,613,532 alleles (0.000062%); highest among the groups gnomAD compares: Non-Finnish European, 0.000085%; no homozygotes.

Submission:

Department of Neurosciences, Rehabilitation, Ophthalmology and Maternal-Fetal Medicine (DINOGMI), University Of Genoa
Classification: Uncertain significance for DENND5B-related neurodevelopmental disorder. Last evaluated: 2023-11-23. Review status: criteria provided, single submitter. Criteria: ACMG Guidelines, 2015. Collection method: research. Allele origin: de novo. Affected: yes. Observed: 1 variant allele.
Comment: Associated with neurodevelopmental phenotypes